The following is an entry in ClinVar:

ClinVar aggregate classification (germline): Uncertain significance (1 of 4 stars; one submission).

Conditions:
Intellectual developmental disorder, autosomal dominant 6, with or without seizures. Also called: Intellectual disability, autosomal dominant 6; GRIN2B-related developmental delay, intellectual disability and autism spectrum disorder. Identifiers: Orphanet 589547, MedGen C3151411, MONDO:0013509, OMIM 613970.

Submission:

Baylor Genetics
Classification: Uncertain significance for Intellectual developmental disorder, autosomal dominant 6, with or without seizures. Last evaluated: 2020-11-05. Review status: criteria provided, single submitter. Criteria: ACMG Guidelines, 2015. Collection method: clinical testing. Allele origin: unknown. Affected: yes.
Comment: This variant was determined to be of uncertain significance according to ACMG Guidelines, 2015 [PMID:25741868].

NM_000834.5(GRIN2B):c.1783C>A (p.Pro595Thr)

Gene: GRIN2B (glutamate ionotropic receptor NMDA type subunit 2B; minus strand). Cytogenetic location: 12p13.1.
Variant type: single nucleotide variant.
Coding change: c.1783C>A on transcript NM_000834.5 (MANE Select); coding-DNA position 1783, C replaced by A.
Protein change: p.Pro595Thr; replaces proline 595 with threonine.
Molecular consequence: missense variant.
Genome position (GRCh38, 1-based): chr12:13,608,830, G>T on the plus strand (C>A on the coding strand, the complement: GRIN2B is on the minus strand). VCF-style: chr12-13608830-G-T. GRCh37 (hg19) VCF-style: chr12-13761764-G-T.
Other names: short protein forms P595T.
Identifiers: ClinVar variation 1028883 (VCV001028883.1), dbSNP rs766030730, ClinGen allele CA384051352.